The following is an entry in ClinVar:

NM_000419.5(ITGA2B):c.322C>A (p.Arg108=)

Gene: ITGA2B (integrin subunit alpha 2b; minus strand). Cytogenetic location: 17q21.31.
Variant type: single nucleotide variant.
Coding change: c.322C>A on transcript NM_000419.5 (MANE Select); coding-DNA position 322, C replaced by A.
Protein change: p.Arg108=; no amino-acid change (arginine 108 retained).
Molecular consequence: synonymous variant.
Genome position (GRCh38, 1-based): chr17:44,385,910, G>T on the plus strand (C>A on the coding strand, the complement: ITGA2B is on the minus strand). VCF-style: chr17-44385910-G-T. GRCh37 (hg19) VCF-style: chr17-42463278-G-T.
Other names: NM_000419.5(ITGA2B):c.322C>A; p.Arg108=.
Identifiers: ClinVar variation 731417 (VCV000731417.6), dbSNP rs1598383383, ClinGen allele CA500624478.

ClinVar aggregate classification (germline): Likely benign. Review status: reviewed by expert panel (3 of 4 stars). 2 submissions from 2 submitters: Likely benign (1). 1 of the submissions does not count toward it. Last evaluated 2024-03-07.

Conditions:
Glanzmann thrombasthenia. Also called: Glanzmann's thrombasthenia; Thrombasthenia; PLATELET GLYCOPROTEIN IIb-IIIa DEFICIENCY; BLEEDING DISORDER, PLATELET-TYPE, 2; THROMBASTHENIA OF GLANZMANN AND NAEGELI. Identifiers: Orphanet 849, MedGen C0040015, MONDO:0100326.

gnomAD v4.1: 1 of 1,612,808 alleles (0.000062%); no homozygotes.

Submissions (2):

ClinGen Platelet Disorders Variant Curation Expert Panel, ClinGen
Classification: Likely benign for Glanzmann thrombasthenia. Last evaluated: 2024-03-07. Review status: reviewed by expert panel. Criteria: ClinGen Platelet ACMG Specifications v2-1. Collection method: curation. Allele origin: germline. Inheritance: Autosomal recessive inheritance.
Comment: After a comprehensive literature search of the synonymous variant NM_000419.5(ITGA2B):c.322C>A (p.Arg108=), no individuals with Glanzmann thrombasthenia were reported with the variant. The variant is absent from gnomADv2.1.1 (PM2_supporting). In silico predictor spliceAI revealed that the synonymous mutation is not expected to impact splicing and a PhyloP score of -.065 shows that the nucleotide position is not highly conserved (BP4, BP7). In summary, this variant meets the criteria to be classified as likely benign for autosomal recessive Glanzmann Thrombasthenia based on the ACMG/AMP criteria applied, as specified by the ClinGen PD VCEP: PM2_supporting, BP4, BP7 (PD VCEP specifications version 2.1).

Labcorp Genetics (formerly Invitae), Labcorp
Classification: Likely benign. Last evaluated: 2018-12-13. Review status: criteria provided, single submitter. Criteria: Invitae Variant Classification Sherloc (09022015). Collection method: clinical testing. Allele origin: germline. Not counted in ClinVar's aggregate classification.